The following is an entry in ClinVar:

NM_002691.4(POLD1):c.1142G>T (p.Trp381Leu)

Gene: POLD1 (DNA polymerase delta 1, catalytic subunit; plus strand). Cytogenetic location: 19q13.33.
Variant type: single nucleotide variant.
Coding change: c.1142G>T on transcript NM_002691.4 (MANE Select); coding-DNA position 1142, G replaced by T.
Protein change: p.Trp381Leu; replaces tryptophan 381 with leucine.
Molecular consequence: missense variant. On other transcripts: non-coding transcript variant (1).
Genome position (GRCh38, 1-based): chr19:50,403,497, G>T. VCF-style: chr19-50403497-G-T. GRCh37 (hg19) VCF-style: chr19-50906754-G-T.
Other names: c.1142G>T (NM_002691.2); c.1142G>T, p.Trp381Leu (NM_001256849.1, NM_001308632.1); short protein forms W381L.
Identifiers: ClinVar variation 2007404 (VCV002007404.6), dbSNP rs1262890589, ClinGen allele CA406978429.

ClinVar aggregate classification (germline): Uncertain significance. Review status: criteria provided, multiple submitters, no conflicts (2 of 4 stars). 2 submissions from 2 submitters: Uncertain significance (2). Last evaluated 2025-10-21.

Conditions:
POLD1-related polyposis and colorectal cancer syndrome (CRCS10). Also called: Colorectal cancer 10; COLORECTAL CANCER, SUSCEPTIBILITY TO, ON CHROMOSOME 19q; Colorectal cancer, susceptibility to, 10. Identifiers: Orphanet 220460, MedGen C2675481, MONDO:0012953, OMIM 612591.
Hereditary cancer-predisposing syndrome. Also called: Tumor predisposition; Neoplastic Syndromes, Hereditary; Hereditary Cancer Syndrome; Hereditary neoplastic syndrome. Identifiers: Orphanet 140162, MedGen C0027672, MeSH D009386, MONDO:0015356.

Allele frequency attached by ClinVar (database versions not stated): gnomAD exomes below 0.00001.

Submissions (2):

Labcorp Genetics (formerly Invitae), Labcorp
Classification: Uncertain significance for POLD1-related polyposis and colorectal cancer syndrome. Last evaluated: 2025-10-21. Review status: criteria provided, single submitter. Criteria: Invitae Variant Classification Sherloc (09022015). Collection method: clinical testing. Allele origin: germline.
Comment: This sequence change replaces tryptophan, which is neutral and slightly polar, with leucine, which is neutral and non-polar, at codon 381 of the POLD1 protein (p.Trp381Leu). This variant is not present in population databases (gnomAD no frequency). This variant has not been reported in the literature in individuals affected with POLD1-related conditions. ClinVar contains an entry for this variant (Variation ID: 2007404). Invitae Evidence Modeling of protein sequence and biophysical properties (such as structural, functional, and spatial information, amino acid conservation, physicochemical variation, residue mobility, and thermodynamic stability) has been performed for this missense variant. However, the output from this modeling did not meet the statistical confidence thresholds required to predict the impact of this variant on POLD1 protein function. In summary, the available evidence is currently insufficient to determine the role of this variant in disease. Therefore, it has been classified as a Variant of Uncertain Significance.

Ambry Genetics
Classification: Uncertain significance for Hereditary cancer-predisposing syndrome. Last evaluated: 2022-12-12. Review status: criteria provided, single submitter. Criteria: Ambry Variant Classification Scheme 2023. Collection method: clinical testing. Allele origin: germline.
Comment: The p.W381L variant (also known as c.1142G>T), located in coding exon 9 of the POLD1 gene, results from a G to T substitution at nucleotide position 1142. The tryptophan at codon 381 is replaced by leucine, an amino acid with similar properties. This amino acid position is conserved. In addition, the in silico prediction for this alteration is inconclusive. Since supporting evidence is limited at this time, the clinical significance of this alteration remains unclear.